The following is an entry in ClinVar:

ClinVar aggregate classification (germline): Uncertain significance (1 of 4 stars; one submission).

Conditions:
Primary ciliary dyskinesia 33. Also called: CILIARY DYSKINESIA, PRIMARY, 33, WITHOUT SITUS INVERSUS. Identifiers: Orphanet 244, MedGen C4225230, MONDO:0014750, OMIM 616726.

gnomAD v4.1: 18 of 1,613,758 alleles (0.0011%); highest among the groups gnomAD compares: East Asian, 0.0045%; no homozygotes.

Submission:

Labcorp Genetics (formerly Invitae), Labcorp
Classification: Uncertain significance for Primary ciliary dyskinesia 33. Last evaluated: 2026-01-14. Review status: criteria provided, single submitter. Criteria: Invitae Variant Classification Sherloc (09022015). Collection method: clinical testing. Allele origin: germline.
Comment: This sequence change replaces arginine, which is basic and polar, with cysteine, which is neutral and slightly polar, at codon 139 of the GAS8 protein (p.Arg139Cys). This variant is present in population databases (rs774653487, gnomAD 0.005%). This variant has not been reported in the literature in individuals affected with GAS8-related conditions. Invitae Evidence Modeling of protein sequence and biophysical properties (such as structural, functional, and spatial information, amino acid conservation, physicochemical variation, residue mobility, and thermodynamic stability) indicates that this missense variant is not expected to disrupt GAS8 protein function with a negative predictive value of 80%. In summary, the available evidence is currently insufficient to determine the role of this variant in disease. Therefore, it has been classified as a Variant of Uncertain Significance.

NM_001481.3(DRC4):c.415C>T (p.Arg139Cys)

Gene: DRC4 (dynein regulatory complex subunit 4; plus strand). Cytogenetic location: 16q24.3.
Variant type: single nucleotide variant.
Coding change: c.415C>T on transcript NM_001481.3 (MANE Select); coding-DNA position 415, C replaced by T.
Protein change: p.Arg139Cys; replaces arginine 139 with cysteine.
Molecular consequence: missense variant. On other transcripts: 5 prime UTR variant (1).
Genome position (GRCh38, 1-based): chr16:90,032,844, C>T. VCF-style: chr16-90032844-C-T. GRCh37 (hg19) VCF-style: chr16-90099252-C-T.
Other names: c.166C>T, p.Arg56Cys (NM_001286205.2); c.-107C>T (NM_001286208.2); c.340C>T, p.Arg114Cys (NM_001286209.2); short protein forms R139C, R114C, R56C.
Identifiers: ClinVar variation 4786922 (VCV004786922.1).
Genomic context (GRCh38, chr16:90,032,844, plus strand): 5'-GAGGGCACTGTAGTCATGAAGCTGGCACAGAAAGAGCACCGCATACAGGAGAGTGTGCTG[C>T]GCAAGGACATGCGGGCACTGAAGGTGGAGCTCAAGGAGCAGGAGCTGGCCAGTGAGGTGG-3'
Protein context (NP_001472.1, residues 129-149): KEHRIQESVL[Arg139Cys]KDMRALKVEL